The following is an entry in ClinVar:

ClinVar aggregate classification (germline): Benign/Likely benign. Review status: criteria provided, multiple submitters, no conflicts (2 of 4 stars). 3 submissions from 3 submitters: Benign (1); Likely benign (2). Last evaluated 2026-02-18.

Conditions:
PRKAR1B-related disorder. Also called: PRKAR1B-related condition.

Allele frequency attached by ClinVar (database versions not stated): gnomAD exomes 0.00079; gnomAD 0.00107 and 0.00111; ExAC 0.00108; TOPMed 0.00125; ESP Exome Variant Server 0.00128; 1000 Genomes Project 30x 0.00156; 1000 Genomes Project 0.00160.
gnomAD v4.1: 1,083 of 1,553,764 alleles (0.07%); highest among the groups gnomAD compares: African/African-American, 0.2%; no homozygotes.

Submissions (3):

PreventionGenetics, part of Exact Sciences
Classification: Likely benign for PRKAR1B-related condition. Last evaluated: 2026-02-18. Review status: criteria provided, single submitter. Criteria: ACMG Guidelines, 2015. Collection method: clinical testing. Allele origin: germline.
Comment: This variant is classified as likely benign based on ACMG/AMP sequence variant interpretation guidelines (Richards et al. 2015 PMID: 25741868, with internal and published modifications).

CeGaT Center for Human Genetics Tuebingen
Classification: Likely benign. Last evaluated: 2026-01-01. Review status: criteria provided, single submitter. Criteria: CeGaT Center For Human Genetics Tuebingen Variant Classification Criteria Version 2. Collection method: clinical testing. Allele origin: germline. Affected: yes. Observed: 1 variant allele.
Comment: PRKAR1B: BP4, BP7

Labcorp Genetics (formerly Invitae), Labcorp
Classification: Benign. Last evaluated: 2018-01-19. Review status: criteria provided, single submitter. Criteria: Invitae Variant Classification Sherloc (09022015). Collection method: clinical testing. Allele origin: germline.

NM_001164760.2(PRKAR1B):c.897C>T (p.Thr299=)

Gene: PRKAR1B (protein kinase cAMP-dependent type I regulatory subunit beta; minus strand). Cytogenetic location: 7p22.3.
Variant type: single nucleotide variant.
Coding change: c.897C>T on transcript NM_001164760.2 (MANE Select); coding-DNA position 897, C replaced by T.
Protein change: p.Thr299=; no amino-acid change (threonine 299 retained).
Molecular consequence: synonymous variant.
Genome position (GRCh38, 1-based): chr7:551,465, G>A on the plus strand (C>T on the coding strand, the complement: PRKAR1B is on the minus strand). VCF-style: chr7-551465-G-A. GRCh37 (hg19) VCF-style: chr7-591102-G-A.
Other names: c.897C>T, p.Thr299= (NM_001164758.2, NM_001164759.1, NM_001164761.2 and 2 more transcripts).
Identifiers: ClinVar variation 716001 (VCV000716001.8), dbSNP rs76036113, ClinGen allele CA4109892.